The following is an entry in ClinVar:

NM_015650.4(TRAF3IP1):c.123+1G>T

Genes: TRAF3IP1 (TRAF3 interacting protein 1; plus strand), LOC129935942 (ATAC-STARR-seq lymphoblastoid silent region 12496; plus strand). Cytogenetic location: 2q37.3.
Variant type: single nucleotide variant.
Coding change: c.123+1G>T on transcript NM_015650.4 (MANE Select); the canonical splice donor site of the intron after coding-DNA position 123, G replaced by T.
Molecular consequence: splice donor variant.
Genome position (GRCh38, 1-based): chr2:238,320,786, G>T. VCF-style: chr2-238320786-G-T. GRCh37 (hg19) VCF-style: chr2-239229427-G-T.
Other names: c.123+1G>T (NM_001139490.1).
Identifiers: ClinVar variation 2759771 (VCV002759771.3), dbSNP rs1321646396, ClinGen allele CA351240273.

ClinVar aggregate classification (germline): Likely pathogenic (1 of 4 stars; one submission).

Allele frequency attached by ClinVar (database versions not stated): gnomAD exomes below 0.00001.
gnomAD v4.1: 2 of 1,413,330 alleles (0.00014%); highest among the groups gnomAD compares: African/African-American, 0.0015%; no homozygotes.

Submission:

Labcorp Genetics (formerly Invitae), Labcorp
Classification: Likely pathogenic. Last evaluated: 2023-09-10. Review status: criteria provided, single submitter. Criteria: Invitae Variant Classification Sherloc (09022015). Collection method: clinical testing. Allele origin: germline.
Comment: This sequence change affects a donor splice site in intron 1 of the TRAF3IP1 gene. It is expected to disrupt RNA splicing. Variants that disrupt the donor or acceptor splice site typically lead to a loss of protein function (PMID: 16199547), and loss-of-function variants in TRAF3IP1 are known to be pathogenic (PMID: 21945076, 26487268, 29068549). This variant is not present in population databases (gnomAD no frequency). This variant has not been reported in the literature in individuals affected with TRAF3IP1-related conditions. Algorithms developed to predict the effect of sequence changes on RNA splicing suggest that this variant may disrupt the consensus splice site. In summary, the currently available evidence indicates that the variant is pathogenic, but additional data are needed to prove that conclusively. Therefore, this variant has been classified as Likely Pathogenic.

Literature cited by the submitters: PubMed 16199547; PubMed 21945076; PubMed 26487268; PubMed 29068549.